The following is an entry in ClinVar:

NM_013339.4(ALG6):c.574del (p.Ala192fs)

Gene: ALG6 (ALG6 alpha-1,3-glucosyltransferase; plus strand). Cytogenetic location: 1p31.3.
Variant type: Deletion.
Coding change: c.574del on transcript NM_013339.4 (MANE Select); coding-DNA position 574, one base deleted (G; older notation c.574delG).
Protein change: p.Ala192fs; shifts the reading frame from alanine 192.
Molecular consequence: frameshift variant.
Genome position (GRCh38, 1-based): chr1:63,411,225, G deleted; the last of 2 consecutive G bases (chr1:63,411,224-63,411,225); deleting either gives the same sequence. VCF-style (leftmost placement, unchanged base first): chr1-63411223-TG-T. GRCh37 (hg19) VCF-style: chr1-63876894-TG-T.
Other names: short protein forms A192fs.
Identifiers: ClinVar variation 1431177 (VCV001431177.6), dbSNP rs2100420854, ClinGen allele CA2573132536.

ClinVar aggregate classification (germline): Pathogenic (1 of 4 stars; one submission).

Conditions:
ALG6-congenital disorder of glycosylation 1C (CDG1C). Also called: CDG Ic; CARBOHYDRATE-DEFICIENT GLYCOPROTEIN SYNDROME, TYPE I, WITH DEFICIENT GLYCOSYLATION OF DOLICHOL-LINKED OLIGOSACCHARIDE; CARBOHYDRATE-DEFICIENT GLYCOPROTEIN SYNDROME, TYPE V; Congenital disorder of glycosylation, type Ic; Congenital disorder of glycosylation type 1C. Identifiers: Orphanet 79320, MedGen C2930997, MONDO:0011291, OMIM 603147.

Submission:

Labcorp Genetics (formerly Invitae), Labcorp
Classification: Pathogenic for ALG6-congenital disorder of glycosylation 1C. Last evaluated: 2021-09-15. Review status: criteria provided, single submitter. Criteria: Invitae Variant Classification Sherloc (09022015). Collection method: clinical testing. Allele origin: germline.
Comment: This sequence change creates a premature translational stop signal (p.Ala192Hisfs*4) in the ALG6 gene. It is expected to result in an absent or disrupted protein product. Loss-of-function variants in ALG6 are known to be pathogenic (PMID: 19862844). This variant is not present in population databases (ExAC no frequency). This variant has not been reported in the literature in individuals affected with ALG6-related conditions. For these reasons, this variant has been classified as Pathogenic.

Literature cited by the submitters: PubMed 19862844.